The following is an entry in ClinVar:

ClinVar aggregate classification (germline): Uncertain significance. Review status: criteria provided, multiple submitters, no conflicts (2 of 4 stars). 3 submissions from 3 submitters: Uncertain significance (2). 1 of the submissions does not count toward it. Last evaluated 2025-12-24.

Conditions:
Cardiovascular phenotype. Identifiers: MedGen CN230736.
ALPK3-related disorder. Also called: ALPK3-related condition.

Allele frequency attached by ClinVar (database versions not stated): TOPMed below 0.00001; ExAC 0.00001; gnomAD 0.00001; gnomAD exomes 0.00002.
gnomAD v4.1: 11 of 1,614,038 alleles (0.00068%); highest among the groups gnomAD compares: South Asian, 0.0033%; no homozygotes.

Submissions (3):

Labcorp Genetics (formerly Invitae), Labcorp
Classification: Uncertain significance. Last evaluated: 2025-12-24. Review status: criteria provided, single submitter. Criteria: Invitae Variant Classification Sherloc (09022015). Collection method: clinical testing. Allele origin: germline.
Comment: This sequence change replaces threonine, which is neutral and polar, with isoleucine, which is neutral and non-polar, at codon 1869 of the ALPK3 protein (p.Thr1869Ile). This variant is present in population databases (rs749265116, gnomAD 0.003%). This variant has not been reported in the literature in individuals affected with ALPK3-related conditions. ClinVar contains an entry for this variant (Variation ID: 1748600). Invitae Evidence Modeling of protein sequence and biophysical properties (such as structural, functional, and spatial information, amino acid conservation, physicochemical variation, residue mobility, and thermodynamic stability) indicates that this missense variant is not expected to disrupt ALPK3 protein function with a negative predictive value of 80%. In summary, the available evidence is currently insufficient to determine the role of this variant in disease. Therefore, it has been classified as a Variant of Uncertain Significance.

Ambry Genetics
Classification: Uncertain significance for Cardiovascular phenotype. Last evaluated: 2022-07-06. Review status: criteria provided, single submitter. Criteria: Ambry Variant Classification Scheme 2023. Collection method: clinical testing. Allele origin: germline.
Comment: The p.T1869I variant (also known as c.5606C>T), located in coding exon 14 of the ALPK3 gene, results from a C to T substitution at nucleotide position 5606. The threonine at codon 1869 is replaced by isoleucine, an amino acid with similar properties. This amino acid position is conserved. In addition, this alteration is predicted to be tolerated by in silico analysis. Since supporting evidence is limited at this time, the clinical significance of this alteration remains unclear.

PreventionGenetics, part of Exact Sciences
Classification: Uncertain significance for ALPK3-related condition. Last evaluated: 2024-05-25. Review status: no assertion criteria provided. Collection method: clinical testing. Allele origin: germline. Not counted in ClinVar's aggregate classification.
Comment: The ALPK3 c.5606C>T variant is predicted to result in the amino acid substitution p.Thr1869Ile. To our knowledge, this variant has not been reported in the literature. This variant is reported in 0.0033% of alleles in individuals of South Asian descent in gnomAD. At this time, the clinical significance of this variant is uncertain due to the absence of conclusive functional and genetic evidence.

NM_020778.5(ALPK3):c.5000C>T (p.Thr1667Ile)

Gene: ALPK3 (alpha kinase 3; plus strand). Cytogenetic location: 15q25.3.
Variant type: single nucleotide variant.
Coding change: c.5000C>T on transcript NM_020778.5 (MANE Select); coding-DNA position 5000, C replaced by T.
Protein change: p.Thr1667Ile; replaces threonine 1667 with isoleucine.
Molecular consequence: missense variant.
Genome position (GRCh38, 1-based): chr15:84,868,338, C>T. VCF-style: chr15-84868338-C-T. GRCh37 (hg19) VCF-style: chr15-85411569-C-T.
Other names: short protein forms T1667I.
Identifiers: ClinVar variation 1748600 (VCV001748600.6), dbSNP rs749265116, ClinGen allele CA7710133.